The following is an entry in ClinVar:

NM_000091.5(COL4A3):c.3797_3798insGT (p.Ile1266fs)

Genes: COL4A3 (collagen type IV alpha 3 chain; plus strand), MFF-DT (MFF divergent transcript; minus strand). Cytogenetic location: 2q36.3.
Variant type: Insertion.
Coding change: c.3797_3798insGT on transcript NM_000091.5 (MANE Select); coding-DNA positions 3797 to 3798, GT inserted.
Protein change: p.Ile1266fs; shifts the reading frame from isoleucine 1266.
Molecular consequence: frameshift variant.
Genome position: GRCh38 VCF-style: chr2-227298726-A-ATG. GRCh37 (hg19) VCF-style: chr2-228163442-A-ATG.
Other names: short protein forms I1266fs.
Identifiers: ClinVar variation 2766393 (VCV002766393.3), dbSNP rs2469885681, ClinGen allele CA2697550552.

ClinVar aggregate classification (germline): Pathogenic (1 of 4 stars; one submission).

Submission:

Labcorp Genetics (formerly Invitae), Labcorp
Classification: Pathogenic. Last evaluated: 2023-10-06. Review status: criteria provided, single submitter. Criteria: Invitae Variant Classification Sherloc (09022015). Collection method: clinical testing. Allele origin: germline.
Comment: This sequence change creates a premature translational stop signal (p.Ile1266Metfs*2) in the COL4A3 gene. It is expected to result in an absent or disrupted protein product. Loss-of-function variants in COL4A3 are known to be pathogenic (PMID: 8956999, 24854265, 26809805, 27281700). This variant is not present in population databases (gnomAD no frequency). This variant has not been reported in the literature in individuals affected with COL4A3-related conditions. For these reasons, this variant has been classified as Pathogenic.

Literature cited by the submitters: PubMed 8956999; PubMed 24854265; PubMed 26809805; PubMed 27281700.